The following is an entry in ClinVar:

ClinVar aggregate classification (germline): Pathogenic (1 of 4 stars; one submission).

Conditions:
Kabuki syndrome 2 (KABUK2). Also called: KDM6A-Related Kabuki Syndrome. Identifiers: Orphanet 2322, MedGen C3275495, MONDO:0010465, OMIM 300867.

Submission:

Labcorp Genetics (formerly Invitae), Labcorp
Classification: Pathogenic for Kabuki syndrome 2. Last evaluated: 2020-03-10. Review status: criteria provided, single submitter. Criteria: Invitae Variant Classification Sherloc (09022015). Collection method: clinical testing. Allele origin: germline.
Comment: For these reasons, this variant has been classified as Pathogenic. This sequence change creates a premature translational stop signal (p.Tyr116*) in the KDM6A gene. It is expected to result in an absent or disrupted protein product. This variant is not present in population databases (ExAC no frequency). This variant has not been reported in the literature in individuals with KDM6A-related conditions. Loss-of-function variants in KDM6A are known to be pathogenic (PMID: 23076834, 23913813).

Literature cited by the submitters: PubMed 23076834; PubMed 23913813.

NM_001291415.2(KDM6A):c.348C>A (p.Tyr116Ter)

Gene: KDM6A (lysine demethylase 6A; plus strand). Cytogenetic location: Xp11.3.
Variant type: single nucleotide variant.
Coding change: c.348C>A on transcript NM_001291415.2 (MANE Select); coding-DNA position 348, C replaced by A.
Protein change: p.Tyr116Ter; replaces tyrosine 116 with a stop codon.
Molecular consequence: nonsense. On other transcripts: 5 prime UTR variant (1), non-coding transcript variant (1).
Genome position (GRCh38, 1-based): chrX:44,974,679, C>A. VCF-style: chrX-44974679-C-A. GRCh37 (hg19) VCF-style: chrX-44833924-C-A.
Other names: c.348C>A, p.Tyr116Ter (NM_001291416.2, NM_001291417.2, NM_001291418.2 and 1 more transcripts); c.-285C>A (NM_001291421.2); short protein forms Y116*.
Identifiers: ClinVar variation 1071788 (VCV001071788.7), dbSNP rs2147263638, ClinGen allele CA413021374.